The following is an entry in ClinVar:

NM_003128.3(SPTBN1):c.6659+3A>T

Genes: SPTBN1 (spectrin beta, non-erythrocytic 1; plus strand), SPTBN1-AS2 (SPTBN1 antisense RNA 2; minus strand). Cytogenetic location: 2p16.2.
Variant type: single nucleotide variant.
Coding change: c.6659+3A>T on transcript NM_003128.3 (MANE Select); 3 bases into the intron after coding-DNA position 6659, A replaced by T.
Molecular consequence: intron variant. On other transcripts: non-coding transcript variant (1).
Genome position (GRCh38, 1-based): chr2:54,664,694, A>T. VCF-style: chr2-54664694-A-T. GRCh37 (hg19) VCF-style: chr2-54891831-A-T.
Identifiers: ClinVar variation 4539848 (VCV004539848.1).

ClinVar aggregate classification (germline): Uncertain significance (1 of 4 stars; one submission).

Submission:

GeneDx
Classification: Uncertain significance. Last evaluated: 2025-06-25. Review status: criteria provided, single submitter. Criteria: GeneDx Variant Classification Process June 2021. Collection method: clinical testing. Allele origin: germline. Affected: yes.
Comment: Not observed at significant frequency in large population cohorts (gnomAD); In silico analysis supports a deleterious effect on splicing; Has not been previously published as pathogenic or benign to our knowledge